The following is an entry in ClinVar:

NM_003060.4(SLC22A5):c.1052+3A>G

Gene: SLC22A5 (solute carrier family 22 member 5; plus strand). Cytogenetic location: 5q31.1.
Variant type: single nucleotide variant.
Coding change: c.1052+3A>G on transcript NM_003060.4 (MANE Select); 3 bases into the intron after coding-DNA position 1052, A replaced by G.
Molecular consequence: intron variant.
Genome position (GRCh38, 1-based): chr5:132,389,024, A>G. VCF-style: chr5-132389024-A-G. GRCh37 (hg19) VCF-style: chr5-131724716-A-G.
Other names: c.1124+3A>G (NM_001308122.2).
Identifiers: ClinVar variation 1367132 (VCV001367132.7), dbSNP rs2126788177, ClinGen allele CA2573138877.

ClinVar aggregate classification (germline): Uncertain significance. Review status: criteria provided, multiple submitters, no conflicts (2 of 4 stars). 2 submissions from 2 submitters: Uncertain significance (2). Last evaluated 2025-08-12.

Conditions:
Renal carnitine transport defect (CDSP). Also called: Systemic primary carnitine deficiency; Primary carnitine deficiency; CARNITINE DEFICIENCY, SYSTEMIC, DUE TO DEFECT IN RENAL REABSORPTION OF CARNITINE; CARNITINE TRANSPORTER, PLASMA-MEMBRANE, DEFICIENCY OF; CARNITINE UPTAKE DEFECT; Carnitine transporter deficiency. Identifiers: Orphanet 158, MedGen C0342788, MONDO:0008919, OMIM 212140.

Submissions (2):

Myriad Genetics, Inc.
Classification: Uncertain significance for Renal carnitine transport defect. Last evaluated: 2025-08-12. Review status: criteria provided, single submitter. Criteria: Myriad Autosomal Dominant, Autosomal Recessive and X-Linked Classification Criteria (2023). Collection method: clinical testing. Allele origin: unknown.
Comment: NM_003060.3(SLC22A5):c.1052+3A>G is an intronic variant classified as a variant of uncertain significance in the context of primary carnitine deficiency. c.1052+3A>G has not been observed in cases with relevant disease. Relevant functional assessments of this variant are not available in the literature. c.1052+3A>G has not been observed in referenced population frequency databases. In summary, there is insufficient evidence to classify NM_003060.3(SLC22A5):c.1052+3A>G as pathogenic or benign. Please note: this variant was assessed in the context of healthy population screening.

Labcorp Genetics (formerly Invitae), Labcorp
Classification: Uncertain significance for Renal carnitine transport defect. Last evaluated: 2021-07-13. Review status: criteria provided, single submitter. Criteria: Invitae Variant Classification Sherloc (09022015). Collection method: clinical testing. Allele origin: germline.
Comment: This sequence change falls in intron 6 of the SLC22A5 gene. It does not directly change the encoded amino acid sequence of the SLC22A5 protein. It affects a nucleotide within the consensus splice site of the intron. This variant is not present in population databases (ExAC no frequency). This variant has been observed in individual(s) with a positive newborn screening result for SLC22A5-related disease (Invitae). Nucleotide substitutions within the consensus splice site are a relatively common cause of aberrant splicing (PMID: 17576681, 9536098). Algorithms developed to predict the effect of sequence changes on RNA splicing suggest that this variant may disrupt the consensus splice site. In summary, the available evidence is currently insufficient to determine the role of this variant in disease. Therefore, it has been classified as a Variant of Uncertain Significance.

Literature cited by the submitters: PubMed 17576681 (cited by Labcorp Genetics (formerly Invitae), Labcorp); PubMed 9536098 (cited by Labcorp Genetics (formerly Invitae), Labcorp).